The following is an entry in ClinVar:

NM_025145.7(CFAP43):c.3541-2A>C

Gene: CFAP43 (cilia and flagella associated protein 43; minus strand). Cytogenetic location: 10q25.1.
Variant type: single nucleotide variant.
Coding change: c.3541-2A>C on transcript NM_025145.7 (MANE Select); the canonical splice acceptor site of the intron before coding-DNA position 3541, A replaced by C.
Molecular consequence: splice acceptor variant.
Genome position (GRCh38, 1-based): chr10:104,152,728, T>G on the plus strand (A>C on the coding strand, the complement: CFAP43 is on the minus strand). VCF-style: chr10-104152728-T-G. GRCh37 (hg19) VCF-style: chr10-105912486-T-G.
Other names: IVS27, A-C, -2.
Identifiers: ClinVar variation 523145 (VCV000523145.4), dbSNP rs1554862953, ClinGen allele CA378089226.

ClinVar aggregate classification (germline): Pathogenic. Review status: no assertion criteria provided (0 of 4 stars). 2 submissions from 2 submitters: Pathogenic (2). Last evaluated 2021-02-09.

Conditions:
Spermatogenic failure 19. Identifiers: MedGen C4539818, MONDO:0054723, OMIM 617592.

Submissions (2):

Diagnostic Laboratory, Strasbourg University Hospital
Classification: Pathogenic for Spermatogenic failure 19. Last evaluated: 2021-02-09. Review status: no assertion criteria provided. Collection method: clinical testing. Allele origin: inherited. Inheritance: Autosomal recessive inheritance. Affected: yes. Observed: 1 variant allele, 1 homozygote.
Comment: Homozygous splice site variant "c.3541-2A>C" was reported before in 2 unrelated Tunisian patients for sperm flagella problems (Coutton et al 2018, DOI 10.1038/s41467-017-02792-7).

OMIM
Classification: Pathogenic for SPERMATOGENIC FAILURE 19. Last evaluated: 2018-05-02. Review status: no assertion criteria provided. Collection method: literature only. Allele origin: germline.

Literature cited by the submitters: PubMed 29449551 (cited by Diagnostic Laboratory, Strasbourg University Hospital and OMIM).